The following is an entry in ClinVar:

NM_001868.4(CPA1):c.586-1G>T

Gene: CPA1 (carboxypeptidase A1; plus strand). Cytogenetic location: 7q32.2.
Variant type: single nucleotide variant.
Coding change: c.586-1G>T on transcript NM_001868.4 (MANE Select); the canonical splice acceptor site of the intron before coding-DNA position 586, G replaced by T.
Molecular consequence: splice acceptor variant.
Genome position (GRCh38, 1-based): chr7:130,383,683, G>T. VCF-style: chr7-130383683-G-T. GRCh37 (hg19) VCF-style: chr7-130023524-G-T.
Identifiers: ClinVar variation 1750149 (VCV001750149.2), dbSNP rs2536008622, ClinGen allele CA369282591.

ClinVar aggregate classification (germline): Uncertain significance (1 of 4 stars; one submission).

Conditions:
Hereditary pancreatitis (PCTT). Also called: Hereditary chronic pancreatitis; PRSS1-Related Hereditary Pancreatitis. Identifiers: Orphanet 676, MedGen C0238339, MONDO:0008185, OMIM 167800.

Submission:

Ambry Genetics
Classification: Uncertain significance for Hereditary pancreatitis. Last evaluated: 2021-01-07. Review status: criteria provided, single submitter. Criteria: Ambry Variant Classification Scheme 2023. Collection method: clinical testing. Allele origin: germline.
Comment: The c.586-1G>T intronic variant results from a G to T substitution one nucleotide upstream from coding exon 6 of the CPA1 gene. In silico splice site analysis predicts that this alteration will weaken the native splice acceptor site and will result in the creation or strengthening of a novel splice acceptor site. Alterations that disrupt the canonical splice site are expected to cause aberrant splicing, resulting in an abnormal protein or a transcript that is subject to nonsense-mediated mRNA decay. However, loss of function of CPA1 has not been clearly established as a mechanism of disease. Since supporting evidence is limited at this time, the clinical significance of this alteration remains unclear.